The following is an entry in ClinVar:

ClinVar aggregate classification (germline): not provided (0 of 4 stars; one submission).

Conditions:
Normal pregnancy. Identifiers: MedGen C0232989.

Submission:

Institute of Molecular and Cell Biology, University of Tartu
No classification provided. Condition: Normal pregnancy. Review status: no classification provided. Collection method: case-control. Allele origin: unknown. Affected: yes. Study: Kasak2014.
Comment: The study aimed to determine the contribution of copy number variants in the genetic etiology of normal and complicated pregnancies. The samples represented (i) maternal blood DNA drawn from healthy pregnant women during 1st or 2nd trimester and (ii) maternal and paternal blood DNA drawn at term pregnancy cases representing normal and complicated gestations (severe preeclampsia, PE; gestational diabetes, GD; small-for-gestational age newborn, SGA; large-for-gestational age newborn, LGA). We performed CNV calling based on genome-wide genotyping dataset (Illumina HumanOmniExpress-24-v1 BeadChip) by applying three algorithms, QuantiSNP, GADA (Genome Alteration Detection Algorithm) and CNstream in parallel. The acquired CNV calls were merged with HD-CNV (Hotspot Detector for Copy Number Variants) program and only the CNVs predicted by at least two programs, were considered in subsequent analysis.

Literature cited by the submitters: PubMed 25666259.

Single allele

Gene: LINC02770 (long intergenic non-protein coding RNA 2770; plus strand). Cytogenetic location: 1q31.2.
Variant type: Deletion.
Identifiers: ClinVar variation 156761 (VCV000156761.2).